The following is an entry in ClinVar:

ClinVar aggregate classification (germline): Conflicting classifications of pathogenicity. Review status: criteria provided, conflicting classifications (1 of 4 stars). 13 submissions from 13 submitters: Pathogenic (1); Likely pathogenic (6); Uncertain significance (4). 2 of the submissions do not count toward it. Last evaluated 2026-07-17.

Conditions:
RPE65-related recessive retinopathy. Also called: Recessive RPE65 retinopathy. Identifiers: MedGen CN305526, MONDO:0100368.
Leber congenital amaurosis 2 (LCA2). Also called: Autosomal Recessive RPE65-Related Retinal Degeneration; AMAUROSIS CONGENITA OF LEBER II. Identifiers: Orphanet 65, MedGen C1859844, MONDO:0008765, OMIM 204100. Disease mechanism: loss of function.
Retinitis pigmentosa 20 (RP20). Identifiers: Orphanet 791, MedGen C3151086, MONDO:0013425, OMIM 613794.
Leber congenital amaurosis (LCA). Also called: Leber's amaurosis. Identifiers: Orphanet 65, MedGen C0339527, MeSH D057130, MONDO:0018998.
Retinitis pigmentosa 87 with choroidal involvement. Identifiers: MedGen C5231465, MONDO:0032873, OMIM 618697.
Retinal dystrophy. Also called: Inherited retinal dystrophy. Identifiers: Orphanet 71862, MedGen C0854723, MeSH D058499, MONDO:0019118, HP:0000556.

Allele frequency attached by ClinVar (database versions not stated): TOPMed 0.00001; ExAC 0.00012; gnomAD exomes 0.00012.
gnomAD v4.1: 98 of 1,614,094 alleles (0.0061%); highest among the groups gnomAD compares: South Asian, 0.076%; no homozygotes.

Submissions (13):

Myriad Genetics, Inc.
Classification: Likely pathogenic for RPE65-related recessive retinopathy. Last evaluated: 2026-07-17. Review status: criteria provided, single submitter. Criteria: Myriad Autosomal Dominant, Autosomal Recessive and X-Linked Classification Criteria (2023). Collection method: clinical testing. Allele origin: unknown.
Comment: NM_000329.2(RPE65):c.433G>A(A145T) is a missense variant classified as likely pathogenic in the context of inherited retinal dystrophy, RPE65-related. A145T has been observed in cases with relevant disease (PMID: 26906952, 3946206, 42447353, Elghonemy_2026_(article)). Relevant functional assessments of this variant are not available in the literature. A145T has been observed in referenced population frequency databases. In summary, NM_000329.2(RPE65):c.433G>A(A145T) is a missense variant that has been observed more frequently in cases with the relevant disease than in healthy populations. Please note: this variant was assessed in the context of healthy population screening.

Labcorp Genetics (formerly Invitae), Labcorp
Classification: Pathogenic for Leber congenital amaurosis 2; Retinitis pigmentosa 20. Last evaluated: 2025-12-23. Review status: criteria provided, single submitter. Criteria: Invitae Variant Classification Sherloc (09022015). Collection method: clinical testing. Allele origin: germline.
Comment: This sequence change replaces alanine, which is neutral and non-polar, with threonine, which is neutral and polar, at codon 145 of the RPE65 protein (p.Ala145Thr). This variant is present in population databases (rs767528365, gnomAD 0.08%). This missense change has been observed in individual(s) with autosomal recessive retinal dystrophy (PMID: 26906952; internal data). In at least one individual the data is consistent with being in trans (on the opposite chromosome) from a pathogenic variant. ClinVar contains an entry for this variant (Variation ID: 968930). Invitae Evidence Modeling of protein sequence and biophysical properties (such as structural, functional, and spatial information, amino acid conservation, physicochemical variation, residue mobility, and thermodynamic stability) indicates that this missense variant is not expected to disrupt RPE65 protein function with a negative predictive value of 80%. This variant disrupts the p.Ala145 amino acid residue in RPE65. Other variant(s) that disrupt this residue have been determined to be pathogenic (PMID: 23661369, 31273949). This suggests that this residue is clinically significant, and that variants that disrupt this residue are likely to be disease-causing. For these reasons, this variant has been classified as Pathogenic.

First Genomix Gene Laboratory, Genetic Diagnostics Department
Classification: Likely pathogenic for Leber congenital amaurosis 2; Retinitis pigmentosa 20. Last evaluated: 2025-08-26. Review status: criteria provided, single submitter. Criteria: ACMG Guidelines, 2015. Collection method: clinical testing. Allele origin: germline. Inheritance: Autosomal recessive inheritance. Affected: no. Observed: 1 variant allele.

Natera, Inc.
Classification: Likely pathogenic for Leber congenital amaurosis. Last evaluated: 2025-08-18. Review status: criteria provided, single submitter. Criteria: Natera Variant Classification Schema (03/2026). Collection method: clinical testing. Allele origin: germline.
Comment: The c.433G>A variant in RPE65 is a missense variant predicted to cause substitution of alanine to threonine at amino acid 145. This variant is rare in the general population with a frequency below the threshold expected for the associated phenotype(s). This variant has been observed in one or more individuals affected with the associated recessive disease, as either homozygous or compound heterozygous with a second variant (PMID: 38508216, 38219857, 26906952). A different variant at the same position has been determined to be Pathogenic or Likely Pathogenic. Given the available evidence, this variant is classified as Likely Pathogenic.

Blueprint Genetics
Classification: Uncertain significance. Last evaluated: 2024-10-25. Review status: criteria provided, single submitter. Criteria: ACMG Guidelines, 2015. Collection method: clinical testing. Allele origin: germline.

Fulgent Genetics
Classification: Likely pathogenic for Leber congenital amaurosis 2; Retinitis pigmentosa 20; Retinitis pigmentosa 87 with choroidal involvement. Last evaluated: 2024-04-05. Review status: criteria provided, single submitter. Criteria: ACMG Guidelines, 2015. Collection method: clinical testing. Allele origin: germline.

3billion
Classification: Likely pathogenic for Leber congenital amaurosis 2. Last evaluated: 2024-03-18. Review status: criteria provided, single submitter. Criteria: ACMG Guidelines, 2015. Collection method: clinical testing. Allele origin: germline. Affected: yes.
Comment: The variant is observed at an extremely low frequency in the gnomAD v2.1.1 dataset (total allele frequency: 0.011%). Predicted Consequence/Location: Missense variant In silico tool predictions suggest damaging effect of the variant on gene or gene product [REVEL: 0.72 (>=0.6, sensitivity 0.68 and specificity 0.92); 3Cnet: 0.73 (>=0.6, sensitivity 0.72 and precision 0.9)]. Same nucleotide change resulting in same amino acid change has been previously reported to be associated with RPE65 related disorder (ClinVar ID: VCV000968930).The variant has been reported to be in trans with a pathogenic variant as either compound heterozygous or homozygous in at least one similarly affected unrelated individual (PMID: 26906952). Different missense changes at the same codon (p.Ala145Asp, p.Ala145Pro) have been reported as pathogenic/likely pathogenic with strong evidence (ClinVar ID: VCV000560497, VCV003024117 /PMID: 23661369, 34315337). Therefore, this variant is classified as Likely pathogenic according to the recommendation of ACMG/AMP guideline.

Department of Pathology and Laboratory Medicine, Sinai Health System
Classification: Uncertain significance for Leber congenital amaurosis 2; Retinitis pigmentosa 20; Retinitis pigmentosa 87 with choroidal involvement. Last evaluated: 2023-10-12. Review status: criteria provided, single submitter. Criteria: ACMG Guidelines, 2015. Collection method: research. Allele origin: germline.

Neuberg Centre For Genomic Medicine, NCGM
Classification: Likely pathogenic for Retinitis pigmentosa 20. Last evaluated: 2023-06-22. Review status: criteria provided, single submitter. Criteria: ACMG Guidelines, 2015. Collection method: clinical testing. Allele origin: germline. Inheritance: Autosomal recessive inheritance. Affected: yes.
Comment: The observed missense variant c.433G>Ap.Ala145Thr in RPE65 gene has been reported previously in homozygous/compound heterozygous state in individual s with autosomal recessive retinal dystrophy Hull S, et al., 2016, Li S, et al., 2020. The p.Ala145Thr variant is reported with 0.01% allele frequency in gnomAD Exomes. This variant has been reported to the ClinVar database as Uncertain Significance multiple submissions. However, study on multiple affected individuals and functional impact of the variant is not available. The amino acid Ala at position 145 is changed to a Thr changing protein sequence and it might alter its composition and physico-chemical properties. Computational evidence Polyphen-Benign, SIFT-Tolerated and Mutation Taster-disease causing predicts conflicting evidence on protein structure and function for this variant. The reference amino acid p.Ala145Thr in RPE65 is predicted as conserved by GERP++ and PhyloP across 100 vertebrates. For these reasons, this variant has been classified as Likely Pathogeneic.

Institute of Human Genetics, Univ. Regensburg, Univ. Regensburg
Classification: Uncertain significance for Retinal dystrophy. Last evaluated: 2020-01-01. Review status: criteria provided, single submitter. Criteria: ACMG Guidelines, 2015. Collection method: clinical testing. Allele origin: germline. Affected: yes.

GeneDx
Classification: Uncertain significance. Last evaluated: 2019-11-26. Review status: criteria provided, single submitter. Criteria: GeneDx Variant Classification Process June 2021. Collection method: clinical testing. Allele origin: germline. Affected: yes.
Comment: In silico analysis, which includes protein predictors and evolutionary conservation, supports that this variant does not alter protein structure/function; This variant is associated with the following publications: (PMID: 26906952)

Clinical Genetics, Academic Medical Center
Classification: Uncertain significance. Review status: no assertion criteria provided. Collection method: clinical testing. Allele origin: germline. Affected: yes. Study: VKGL Data-share Consensus. Not counted in ClinVar's aggregate classification.

Joint Genome Diagnostic Labs from Nijmegen and Maastricht, Radboudumc and MUMC+
Classification: Uncertain significance. Review status: no assertion criteria provided. Collection method: clinical testing. Allele origin: germline. Affected: yes. Study: VKGL Data-share Consensus. Not counted in ClinVar's aggregate classification.

Literature cited by the submitters: PubMed 26906952 (cited by 4 submitters); PubMed 23661369 (cited by Labcorp Genetics (formerly Invitae), Labcorp and 3billion); PubMed 31273949 (cited by Labcorp Genetics (formerly Invitae), Labcorp); PubMed 38508216 (cited by Natera, Inc.); PubMed 38219857 (cited by Natera, Inc.).

NM_000329.3(RPE65):c.433G>A (p.Ala145Thr)

Gene: RPE65 (retinoid isomerohydrolase RPE65; minus strand). Cytogenetic location: 1p31.3.
Variant type: single nucleotide variant.
Coding change: c.433G>A on transcript NM_000329.3 (MANE Select); coding-DNA position 433, G replaced by A.
Protein change: p.Ala145Thr; replaces alanine 145 with threonine.
Molecular consequence: missense variant.
Genome position (GRCh38, 1-based): chr1:68,444,593, C>T on the plus strand (G>A on the coding strand, the complement: RPE65 is on the minus strand). VCF-style: chr1-68444593-C-T. GRCh37 (hg19) VCF-style: chr1-68910276-C-T.
Other names: short protein forms A145T.
Identifiers: ClinVar variation 968930 (VCV000968930.21), dbSNP rs767528365, ClinGen allele CA902508.